The following is an entry in ClinVar:

NM_002609.4(PDGFRB):c.91C>T (p.Gln31Ter)

Gene: PDGFRB (platelet derived growth factor receptor beta; minus strand). Cytogenetic location: 5q32.
Variant type: single nucleotide variant.
Coding change: c.91C>T on transcript NM_002609.4 (MANE Select); coding-DNA position 91, C replaced by T.
Protein change: p.Gln31Ter; replaces glutamine 31 with a stop codon.
Molecular consequence: nonsense. On other transcripts: 5 prime UTR variant (2).
Genome position (GRCh38, 1-based): chr5:150,135,828, G>A on the plus strand (C>T on the coding strand, the complement: PDGFRB is on the minus strand). VCF-style: chr5-150135828-G-A. GRCh37 (hg19) VCF-style: chr5-149515391-G-A.
Other names: c.-102C>T (NM_001355016.2); c.-427C>T (NM_001355017.2); short protein forms Q31*.
Identifiers: ClinVar variation 3365417 (VCV003365417.2).

ClinVar aggregate classification (germline): Uncertain significance (1 of 4 stars; one submission).

gnomAD v4.1: 1 of 1,557,898 alleles (0.000064%); highest among the groups gnomAD compares: Non-Finnish European, 0.000087%; no homozygotes.

Submission:

GeneDx
Classification: Uncertain significance. Last evaluated: 2025-06-13. Review status: criteria provided, single submitter. Criteria: GeneDx Variant Classification Process June 2021. Collection method: clinical testing. Allele origin: germline.
Comment: Not observed at significant frequency in large population cohorts (gnomAD); Nonsense variant predicted to result in protein truncation or nonsense mediated decay in a gene or region of a gene for which loss of function is not a well-established mechanism of disease; Has not been previously published as pathogenic or benign to our knowledge